The following is an entry in ClinVar:

NM_012431.3(SEMA3E):c.1944T>C (p.Asp648=)

Gene: SEMA3E (semaphorin 3E; minus strand). Cytogenetic location: 7q21.11.
Variant type: single nucleotide variant.
Coding change: c.1944T>C on transcript NM_012431.3 (MANE Select); coding-DNA position 1944, T replaced by C.
Protein change: p.Asp648=; no amino-acid change (aspartic acid 648 retained).
Molecular consequence: synonymous variant.
Genome position (GRCh38, 1-based): chr7:83,367,970, A>G on the plus strand (T>C on the coding strand, the complement: SEMA3E is on the minus strand). VCF-style: chr7-83367970-A-G. GRCh37 (hg19) VCF-style: chr7-82997286-A-G.
Other names: c.1764T>C, p.Asp588= (NM_001178129.2); c.1944T>C (NM_012431.2).
Identifiers: ClinVar variation 1155573 (VCV001155573.10), dbSNP rs199840463, ClinGen allele CA4321854.

ClinVar aggregate classification (germline): Likely benign. Review status: criteria provided, single submitter (1 of 4 stars). 2 submissions from 2 submitters: Likely benign (1). 1 of the submissions does not count toward it. Last evaluated 2024-07-04.

Conditions:
CHARGE syndrome (CHARGE). Also called: Hittner Hirsch Kreh syndrome; CHARGE ASSOCIATION--COLOBOMA, HEART ANOMALY, CHOANAL ATRESIA, RETARDATION, GENITAL AND EAR ANOMALIES; Coloboma, heart anomaly, choanal atresia, retardation, genital and ear anomalies; CHARGE association; Hall-Hittner syndrome. Identifiers: Orphanet 138, MedGen C0265354, MONDO:0008965.
SEMA3E-related disorder. Also called: SEMA3E-related condition.

Allele frequency attached by ClinVar (database versions not stated): gnomAD exomes 0.00001 and 0.00003; ExAC 0.00003; gnomAD 0.00003; TOPMed 0.00005.
gnomAD v4.1: 25 of 1,613,858 alleles (0.0015%); highest among the groups gnomAD compares: Admixed American, 0.0067%; no homozygotes.

Submissions (2):

Labcorp Genetics (formerly Invitae), Labcorp
Classification: Likely benign for CHARGE syndrome. Last evaluated: 2024-07-04. Review status: criteria provided, single submitter. Criteria: Invitae Variant Classification Sherloc (09022015). Collection method: clinical testing. Allele origin: germline.

PreventionGenetics, part of Exact Sciences
Classification: Likely benign for SEMA3E-related condition. Last evaluated: 2023-09-13. Review status: no assertion criteria provided. Collection method: clinical testing. Allele origin: germline. Not counted in ClinVar's aggregate classification.
Comment: This variant is classified as likely benign based on ACMG/AMP sequence variant interpretation guidelines (Richards et al. 2015 PMID: 25741868, with internal and published modifications).